The following is an entry in ClinVar:

ClinVar aggregate classification (germline): Uncertain significance (1 of 4 stars; one submission).

Submission:

Labcorp Genetics (formerly Invitae), Labcorp
Classification: Uncertain significance. Last evaluated: 2022-07-11. Review status: criteria provided, single submitter. Criteria: Invitae Variant Classification Sherloc (09022015). Collection method: clinical testing. Allele origin: germline.
Comment: This variant has not been reported in the literature in individuals affected with DIP2C-related conditions. In summary, the available evidence is currently insufficient to determine the role of this variant in disease. Therefore, it has been classified as a Variant of Uncertain Significance. Algorithms developed to predict the effect of sequence changes on RNA splicing suggest that this variant may create or strengthen a splice site. Algorithms developed to predict the effect of missense changes on protein structure and function are either unavailable or do not agree on the potential impact of this missense change (SIFT: "Tolerated"; PolyPhen-2: "Probably Damaging"; Align-GVGD: "Class C0"). ClinVar contains an entry for this variant (Variation ID: 1498072). This variant is not present in population databases (gnomAD no frequency). This sequence change replaces aspartic acid, which is acidic and polar, with glycine, which is neutral and non-polar, at codon 728 of the DIP2C protein (p.Asp728Gly).

NM_014974.3(DIP2C):c.2183A>G (p.Asp728Gly)

Gene: DIP2C (DIP2 acetate--CoA ligase C (putative); minus strand). Cytogenetic location: 10p15.3.
Variant type: single nucleotide variant.
Coding change: c.2183A>G on transcript NM_014974.3 (MANE Select); coding-DNA position 2183, A replaced by G.
Protein change: p.Asp728Gly; replaces aspartic acid 728 with glycine.
Molecular consequence: missense variant.
Genome position (GRCh38, 1-based): chr10:366,360, T>C on the plus strand (A>G on the coding strand, the complement: DIP2C is on the minus strand). VCF-style: chr10-366360-T-C. GRCh37 (hg19) VCF-style: chr10-412300-T-C.
Other names: short protein forms D728G.
Identifiers: ClinVar variation 1498072 (VCV001498072.8), dbSNP rs2132750775, ClinGen allele CA375834205.
Genomic context (GRCh38, chr10:366,360, plus strand): 5'-GAGAGGCCATAGTAGGACGTGCCCGTCGCAACTGCACACACACACAGCTCCCCGATCTCA[T>C]CCGTTCTGCACAGCTGAGGAACCCCGTCTGGCTTCACTGAACACATGATGGCTAAAAGCA-3'
Protein context (NP_055789.1, residues 718-738): PDGVPQLCRT[Asp728Gly]EIGELCVCAV